The following is an entry in ClinVar:

NM_007078.3(LDB3):c.1231+8del

Gene: LDB3 (LIM domain binding 3; plus strand). Cytogenetic location: 10q23.2.
Variant type: Deletion.
Coding change: c.1231+8del on transcript NM_007078.3 (MANE Select); 8 bases into the intron after coding-DNA position 1231, one base deleted (G; older notation c.1231+8delG).
Molecular consequence: intron variant.
Genome position (GRCh38, 1-based): chr10:86,710,058, G deleted; the last of 2 consecutive G bases (chr10:86,710,057-86,710,058); deleting either gives the same sequence. VCF-style (leftmost placement, unchanged base first): chr10-86710056-AG-A. GRCh37 (hg19) VCF-style: chr10-88469813-AG-A.
Other names: c.1042+8del (NM_001368064.1, NM_001368065.1); c.1246+8del (NM_001171610.2); c.1090+8del (NM_001368066.1); c.901+8del (NM_001080114.2).
Identifiers: ClinVar variation 2111143 (VCV002111143.4), dbSNP rs2492777775, ClinGen allele CA2580082226.

ClinVar aggregate classification (germline): Uncertain significance (1 of 4 stars; one submission).

Conditions:
Myofibrillar myopathy 4. Also called: Zaspopathy (type). Identifiers: Orphanet 98912, MedGen C4721886, MONDO:0012277, OMIM 609452.

Submission:

Labcorp Genetics (formerly Invitae), Labcorp
Classification: Uncertain significance for Myofibrillar myopathy 4. Last evaluated: 2022-03-13. Review status: criteria provided, single submitter. Criteria: Invitae Variant Classification Sherloc (09022015). Collection method: clinical testing. Allele origin: germline.
Comment: In summary, the available evidence is currently insufficient to determine the role of this variant in disease. Therefore, it has been classified as a Variant of Uncertain Significance. Experimental studies and prediction algorithms are not available or were not evaluated, and the effect of this variant on mRNA splicing is currently unknown. This variant has not been reported in the literature in individuals affected with LDB3-related conditions. This variant is not present in population databases (gnomAD no frequency). This sequence change falls in intron 9 of the LDB3 gene. It does not directly change the encoded amino acid sequence of the LDB3 protein. The LDB3 gene has multiple clinically relevant transcripts. This variant occurs in alternate transcript NM_007078.3, and corresponds to NM_001080116.1:c.*10684del in the primary transcript.